The following is an entry in ClinVar:

ClinVar aggregate classification (germline): Uncertain significance (1 of 4 stars; one submission).

Submission:

GeneDx
Classification: Uncertain significance. Last evaluated: 2026-04-17. Review status: criteria provided, single submitter. Criteria: GeneDx Variant Classification Process June 2021. Collection method: clinical testing. Allele origin: germline.
Comment: Not observed at significant frequency in large population cohorts (gnomAD); In silico analysis supports that this missense variant has a deleterious effect on protein structure/function; Has not been previously published as pathogenic or benign to our knowledge

NM_001367721.1(CASK):c.2687A>G (p.Asn896Ser)

Genes: CASK (calcium/calmodulin dependent serine protein kinase; minus strand), CASK-AS1 (CASK antisense RNA 1; plus strand). Cytogenetic location: Xp11.4.
Variant type: single nucleotide variant.
Coding change: c.2687A>G on transcript NM_001367721.1 (MANE Select); coding-DNA position 2687, A replaced by G.
Protein change: p.Asn896Ser; replaces asparagine 896 with serine.
Molecular consequence: missense variant.
Genome position (GRCh38, 1-based): chrX:41,520,514, T>C on the plus strand (A>G on the coding strand, the complement: CASK is on the minus strand). VCF-style: chrX-41520514-T-C. GRCh37 (hg19) VCF-style: chrX-41379767-T-C.
Other names: c.2603A>G, p.Asn868Ser (NM_001126054.3); c.2600A>G, p.Asn867Ser (NM_001126055.3); c.2669A>G, p.Asn890Ser (NM_001410745.1); c.2672A>G, p.Asn891Ser (NM_003688.4); short protein forms N867S, N868S, N890S, N891S, N896S.
Identifiers: ClinVar variation 5037030 (VCV005037030.1).
Genomic context (GRCh38, chrX:41,520,514, plus strand): 5'-GCTGTGCACACGAGCTCAACAGCTTCCTCCAGATGTCTGATTGTCTCATCAATTTCATTG[T>C]TGATAATTGTGAGATCGAAGTAGTGTGCATATGTTCTCTGTAAGATGTCAGACTCCTTCT-3'
Protein context (NP_001354650.1, residues 886-906): YAHYFDLTII[Asn896Ser]NEIDETIRHL